The following is an entry in ClinVar:

NM_138477.4(CDAN1):c.1368-8T>G

Gene: CDAN1 (codanin 1; minus strand). Cytogenetic location: 15q15.2.
Variant type: single nucleotide variant.
Coding change: c.1368-8T>G on transcript NM_138477.4 (MANE Select); 8 bases into the intron before coding-DNA position 1368, T replaced by G.
Molecular consequence: intron variant.
Genome position (GRCh38, 1-based): chr15:42,733,194, A>C on the plus strand (T>G on the coding strand, the complement: CDAN1 is on the minus strand). VCF-style: chr15-42733194-A-C. GRCh37 (hg19) VCF-style: chr15-43025392-A-C.
Identifiers: ClinVar variation 2683292 (VCV002683292.1), dbSNP rs780370749, ClinGen allele CA2575698625.

ClinVar aggregate classification (germline): Uncertain significance (1 of 4 stars; one submission).

gnomAD v4.1: 1 of 1,613,104 alleles (0.000062%); highest among the groups gnomAD compares: Non-Finnish European, 0.000085%; no homozygotes.

Submission:

Mayo Clinic Laboratories, Mayo Clinic
Classification: Uncertain significance. Last evaluated: 2023-01-18. Review status: criteria provided, single submitter. Criteria: ACMG Guidelines, 2015. Collection method: clinical testing. Allele origin: germline. Observed: 1 variant allele.
Comment: PP3, PM2